The following is an entry in ClinVar:

NM_001364171.2(ODAD1):c.537G>A (p.Glu179=)

Gene: ODAD1 (outer dynein arm docking complex subunit 1; minus strand). Cytogenetic location: 19q13.33.
Variant type: single nucleotide variant.
Coding change: c.537G>A on transcript NM_001364171.2 (MANE Select); coding-DNA position 537, G replaced by A.
Protein change: p.Glu179=; no amino-acid change (glutamic acid 179 retained).
Molecular consequence: synonymous variant.
Genome position (GRCh38, 1-based): chr19:48,311,613, C>T on the plus strand (G>A on the coding strand, the complement: ODAD1 is on the minus strand). VCF-style: chr19-48311613-C-T. GRCh37 (hg19) VCF-style: chr19-48814870-C-T.
Other names: p.Glu142=; c.426G>A, p.Glu142= (NM_144577.4).
Identifiers: ClinVar variation 4684390 (VCV004684390.1).

ClinVar aggregate classification (germline): Likely benign (1 of 4 stars; one submission).

Submission:

Mayo Clinic Laboratories, Mayo Clinic
Classification: Likely benign. Last evaluated: 2025-05-20. Review status: criteria provided, single submitter. Criteria: ACMG Guidelines, 2015. Collection method: clinical testing. Allele origin: germline. Observed: 1 variant allele.
Comment: BP4, BP7, PM2_supporting